The following is an entry in ClinVar:

ClinVar aggregate classification (germline): Uncertain significance (1 of 4 stars; one submission).

Submission:

Labcorp Genetics (formerly Invitae), Labcorp
Classification: Uncertain significance. Last evaluated: 2022-07-12. Review status: criteria provided, single submitter. Criteria: Invitae Variant Classification Sherloc (09022015). Collection method: clinical testing. Allele origin: germline.
Comment: This sequence change replaces threonine, which is neutral and polar, with serine, which is neutral and polar, at codon 367 of the SON protein (p.Thr367Ser). In summary, the available evidence is currently insufficient to determine the role of this variant in disease. Therefore, it has been classified as a Variant of Uncertain Significance. Algorithms developed to predict the effect of missense changes on protein structure and function are either unavailable or do not agree on the potential impact of this missense change (SIFT: "Deleterious"; PolyPhen-2: "Benign"; Align-GVGD: "Class C0"). This variant has not been reported in the literature in individuals affected with SON-related conditions. This variant is not present in population databases (gnomAD no frequency).

NM_138927.4(SON):c.1099A>T (p.Thr367Ser)

Gene: SON (SON DNA and RNA binding protein; plus strand). Cytogenetic location: 21q22.11.
Variant type: single nucleotide variant.
Coding change: c.1099A>T on transcript NM_138927.4 (MANE Select); coding-DNA position 1099, A replaced by T.
Protein change: p.Thr367Ser; replaces threonine 367 with serine.
Molecular consequence: missense variant. On other transcripts: non-coding transcript variant (1), intron variant (1).
Genome position (GRCh38, 1-based): chr21:33,550,330, A>T. VCF-style: chr21-33550330-A-T. GRCh37 (hg19) VCF-style: chr21-34922636-A-T.
Other names: c.1099A>T, p.Thr367Ser (NM_001291411.2, NM_001412133.1, NM_032195.3 and 2 more transcripts); c.244+3951A>T (NM_001291412.3); short protein forms T367S.
Identifiers: ClinVar variation 1939520 (VCV001939520.5), dbSNP rs2517350422, ClinGen allele CA410153143.